The following is an entry in ClinVar:

NM_001365951.3(KIF1B):c.2617A>T (p.Thr873Ser)

Gene: KIF1B (kinesin family member 1B; plus strand). Cytogenetic location: 1p36.22.
Variant type: single nucleotide variant.
Coding change: c.2617A>T on transcript NM_001365951.3 (MANE Select); coding-DNA position 2617, A replaced by T.
Protein change: p.Thr873Ser; replaces threonine 873 with serine.
Molecular consequence: missense variant.
Genome position (GRCh38, 1-based): chr1:10,324,837, A>T. VCF-style: chr1-10324837-A-T. GRCh37 (hg19) VCF-style: chr1-10384895-A-T.
Other names: c.2617A>T, p.Thr873Ser (NM_001365952.1); c.2479A>T, p.Thr827Ser (NM_015074.3); short protein forms T827S, T873S.
Identifiers: ClinVar variation 3712006 (VCV003712006.2).

ClinVar aggregate classification (germline): Uncertain significance (1 of 4 stars; one submission).

Conditions:
Charcot-Marie-Tooth disease type 2. Also called: Charcot-Marie-Tooth type 2. Identifiers: Orphanet 64746, MedGen C0270914, MONDO:0018993.

Submission:

Labcorp Genetics (formerly Invitae), Labcorp
Classification: Uncertain significance for Charcot-Marie-Tooth disease type 2. Last evaluated: 2024-08-12. Review status: criteria provided, single submitter. Criteria: Invitae Variant Classification Sherloc (09022015). Collection method: clinical testing. Allele origin: germline.
Comment: This sequence change replaces threonine, which is neutral and polar, with serine, which is neutral and polar, at codon 827 of the KIF1B protein (p.Thr827Ser). This variant is not present in population databases (gnomAD no frequency). This variant has not been reported in the literature in individuals affected with KIF1B-related conditions. Advanced modeling of protein sequence and biophysical properties (such as structural, functional, and spatial information, amino acid conservation, physicochemical variation, residue mobility, and thermodynamic stability) performed at Invitae indicates that this missense variant is not expected to disrupt KIF1B protein function with a negative predictive value of 80%. In summary, the available evidence is currently insufficient to determine the role of this variant in disease. Therefore, it has been classified as a Variant of Uncertain Significance.